The following is an entry in ClinVar:

ClinVar aggregate classification (germline): Likely benign (1 of 4 stars; one submission).

Conditions:
SCYL1-related disorder. Also called: SCYL1-related condition.

gnomAD v4.1: 5 of 1,607,668 alleles (0.00031%); highest among the groups gnomAD compares: East Asian, 0.0045%; no homozygotes.

Submission:

PreventionGenetics, part of Exact Sciences
Classification: Likely benign for SCYL1-related condition. Last evaluated: 2026-02-10. Review status: criteria provided, single submitter. Criteria: ACMG Guidelines, 2015. Collection method: clinical testing. Allele origin: germline.
Comment: This variant is classified as likely benign based on ACMG/AMP sequence variant interpretation guidelines (Richards et al. 2015 PMID: 25741868, with internal and published modifications).

NM_020680.4(SCYL1):c.*8C>T

Genes: LTBP3 (latent transforming growth factor beta binding protein 3; minus strand), SCYL1 (SCY1 like pseudokinase 1; plus strand). Cytogenetic location: 11q13.1.
Variant type: single nucleotide variant.
Coding change: c.*8C>T on transcript NM_020680.4 (MANE Select); 8 bases downstream of the stop codon, C replaced by T.
Molecular consequence: 3 prime UTR variant.
Genome position (GRCh38, 1-based): chr11:65,538,574, C>T. VCF-style: chr11-65538574-C-T. GRCh37 (hg19) VCF-style: chr11-65306045-C-T.
Other names: c.*506G>A (NM_001130144.3, NM_001164266.1, NM_021070.4); c.*8C>T (NM_001048218.2, NM_001425179.1, NM_001425180.1 and 18 more transcripts); c.*34C>T (NM_001411022.1, NM_001425185.1, NM_001425186.1 and 9 more transcripts); c.*165C>T (NM_001425196.1, NM_001425198.1).
Identifiers: ClinVar variation 4994474 (VCV004994474.1).
Genomic context (GRCh38, chr11:65,538,574, plus strand): 5'-AGAGGAAGGTGGCCAAGGGCCCCATGAAGCTGGGAGCCCGGAAGCTGGACTGAACCGTGG[C>T]GGTGGCCCTTCCCGGCTGCGGAGAGCCCGCCCCACAGATGTATTTATTGTACAAACCATG-3'